The following is an entry in ClinVar:

ClinVar aggregate classification (germline): Likely benign. Review status: criteria provided, multiple submitters, no conflicts (2 of 4 stars). 3 submissions from 3 submitters: Likely benign (2). 1 of the submissions does not count toward it. Last evaluated 2018-05-18.

Conditions:
MED23-related disorder. Also called: MED23-related condition.
Inborn genetic diseases. Identifiers: MedGen C0950123, MeSH D030342.

Allele frequency attached by ClinVar (database versions not stated): gnomAD exomes 0.00010 and 0.00012; ESP Exome Variant Server 0.00015; ExAC 0.00010; TOPMed 0.00011; gnomAD 0.00011.
gnomAD v4.1: 159 of 1,609,412 alleles (0.0099%); highest among the groups gnomAD compares: Admixed American, 0.017%; no homozygotes.

Submissions (3):

Labcorp Genetics (formerly Invitae), Labcorp
Classification: Likely benign. Last evaluated: 2018-05-18. Review status: criteria provided, single submitter. Criteria: Invitae Variant Classification Sherloc (09022015). Collection method: clinical testing. Allele origin: germline.

Ambry Genetics
Classification: Likely benign for Inborn genetic diseases. Last evaluated: 2018-01-24. Review status: criteria provided, single submitter. Criteria: Ambry Variant Classification Scheme 2023. Collection method: clinical testing. Allele origin: germline.

PreventionGenetics, part of Exact Sciences
Classification: Likely benign for MED23-related condition. Last evaluated: 2019-03-20. Review status: no assertion criteria provided. Collection method: clinical testing. Allele origin: germline. Not counted in ClinVar's aggregate classification.
Comment: This variant is classified as likely benign based on ACMG/AMP sequence variant interpretation guidelines (Richards et al. 2015 PMID: 25741868, with internal and published modifications).

NM_004830.4(MED23):c.3228C>T (p.Val1076=)

Gene: MED23 (mediator complex subunit 23; minus strand). Cytogenetic location: 6q23.2.
Variant type: single nucleotide variant.
Coding change: c.3228C>T on transcript NM_004830.4 (MANE Select); coding-DNA position 3228, C replaced by T.
Protein change: p.Val1076=; no amino-acid change (valine 1076 retained).
Molecular consequence: synonymous variant.
Genome position (GRCh38, 1-based): chr6:131,594,103, G>A on the plus strand (C>T on the coding strand, the complement: MED23 is on the minus strand). VCF-style: chr6-131594103-G-A. GRCh37 (hg19) VCF-style: chr6-131915243-G-A.
Other names: c.3228C>T, p.Val1076= (NM_001270521.2, NM_001270522.2); c.3246C>T, p.Val1082= (NM_001376517.1, NM_015979.4); c.3174C>T, p.Val1058= (NM_001376518.1); c.3090C>T, p.Val1030= (NM_001376519.1, NM_001376521.1); c.3087C>T, p.Val1029= (NM_001376520.1); c.3057C>T, p.Val1019= (NM_001376522.1); c.2973C>T, p.Val991= (NM_001376523.1); c.2841C>T, p.Val947= (NM_001376524.1).
Identifiers: ClinVar variation 722247 (VCV000722247.7), dbSNP rs143889870, ClinGen allele CA3999669.